The following is an entry in ClinVar:

ClinVar aggregate classification (germline): Uncertain significance (1 of 4 stars; one submission).

Conditions:
Desmin-related myofibrillar myopathy (MFM1). Also called: Desmin related myopathy (former name); Desmin storage myopathy (former name); Desminopathy; MYOFIBRILLAR MYOPATHY WITH ARRHYTHMOGENIC RIGHT VENTRICULAR CARDIOMYOPATHY; DESMIN-RELATED MYOPATHY WITH ARRHYTHMOGENIC RIGHT VENTRICULAR CARDIOMYOPATHY; Myofibrillar myopathy 1. Identifiers: Orphanet 363543, Orphanet 98909, MedGen C1832370, MONDO:0011076, OMIM 601419.

Submission:

Illumina Laboratory Services, Illumina
Classification: Uncertain significance for Desminopathy. Last evaluated: 2022-04-18. Review status: criteria provided, single submitter. Criteria: ICSLVariantClassificationCriteria RUGD 01 April 2020. Collection method: clinical testing. Allele origin: unknown.
Comment: The DES c.367A>C p.(Ile123Leu) missense variant has not, to our knowledge, been reported in the peer-reviewed literature. This variant is not found in version 2.1.1 or version 3.1.2 of the Genome Aggregation Database. Based on the available evidence, the c.367A>C p.(Ile123Leu) variant is classified as a variant of uncertain significance for desminopathy.

NM_001927.4(DES):c.367A>C (p.Ile123Leu)

Gene: DES (desmin; plus strand). Cytogenetic location: 2q35.
Variant type: single nucleotide variant.
Coding change: c.367A>C on transcript NM_001927.4 (MANE Select); coding-DNA position 367, A replaced by C.
Protein change: p.Ile123Leu; replaces isoleucine 123 with leucine.
Molecular consequence: missense variant.
Genome position (GRCh38, 1-based): chr2:219,418,829, A>C. VCF-style: chr2-219418829-A-C. GRCh37 (hg19) VCF-style: chr2-220283551-A-C.
Other names: c.367A>C, p.Ile123Leu (NM_001382708.1, NM_001382709.1, NM_001382710.1 and 3 more transcripts); short protein forms I123L.
Identifiers: ClinVar variation 3069155 (VCV003069155.1), dbSNP rs376048590, ClinGen allele CA350685567.